The following is an entry in ClinVar:

ClinVar aggregate classification (germline): Uncertain significance (1 of 4 stars; one submission).

Allele frequency attached by ClinVar (database versions not stated): gnomAD exomes 0.00001; ExAC 0.00003; TOPMed 0.00003; gnomAD 0.00004; 1000 Genomes Project 0.00100; 1000 Genomes Project 30x 0.00125.
gnomAD v4.1: 28 of 1,613,468 alleles (0.0017%); highest among the groups gnomAD compares: Admixed American, 0.045%; no homozygotes.

Submission:

Labcorp Genetics (formerly Invitae), Labcorp
Classification: Uncertain significance. Last evaluated: 2022-08-12. Review status: criteria provided, single submitter. Criteria: Invitae Variant Classification Sherloc (09022015). Collection method: clinical testing. Allele origin: germline.
Comment: This sequence change replaces isoleucine, which is neutral and non-polar, with valine, which is neutral and non-polar, at codon 280 of the C15orf41 protein (p.Ile280Val). This variant is present in population databases (rs541800278, gnomAD 0.02%). This variant has not been reported in the literature in individuals affected with C15orf41-related conditions. Algorithms developed to predict the effect of missense changes on protein structure and function output the following: SIFT: "Tolerated"; PolyPhen-2: "Benign"; Align-GVGD: "Class C0". The valine amino acid residue is found in multiple mammalian species, which suggests that this missense change does not adversely affect protein function. In summary, the available evidence is currently insufficient to determine the role of this variant in disease. Therefore, it has been classified as a Variant of Uncertain Significance.

NM_001321759.2(CDIN1):c.838A>G (p.Ile280Val)

Gene: CDIN1 (CDAN1 interacting nuclease 1; plus strand). Cytogenetic location: 15q14.
Variant type: single nucleotide variant.
Coding change: c.838A>G on transcript NM_001321759.2 (MANE Select); coding-DNA position 838, A replaced by G.
Protein change: p.Ile280Val; replaces isoleucine 280 with valine.
Molecular consequence: missense variant. On other transcripts: 3 prime UTR variant (1).
Genome position (GRCh38, 1-based): chr15:36,808,445, A>G. VCF-style: chr15-36808445-A-G. GRCh37 (hg19) VCF-style: chr15-37100646-A-G.
Other names: c.838A>G, p.Ile280Val (NM_001130010.3); c.544A>G, p.Ile182Val (NM_001290232.2, NM_001321756.2, NM_032499.6); c.469A>G, p.Ile157Val (NM_001321757.2); c.727A>G, p.Ile243Val (NM_001321758.2); c.*105A>G (NM_001321760.2); c.856A>G, p.Ile286Val (NM_001321761.2); short protein forms I157V, I182V, I243V, I280V, I286V.
Identifiers: ClinVar variation 2085940 (VCV002085940.1), dbSNP rs541800278, ClinGen allele CA7469035.